The following is an entry in ClinVar:

NM_001370259.2(MEN1):c.1185+5A>G

Gene: MEN1 (menin 1; minus strand). Cytogenetic location: 11q13.1.
Variant type: single nucleotide variant.
Coding change: c.1185+5A>G on transcript NM_001370259.2 (MANE Select); 5 bases into the intron after coding-DNA position 1185, A replaced by G.
Molecular consequence: intron variant.
Genome position (GRCh38, 1-based): chr11:64,805,630, T>C on the plus strand (A>G on the coding strand, the complement: MEN1 is on the minus strand). VCF-style: chr11-64805630-T-C. GRCh37 (hg19) VCF-style: chr11-64573102-T-C.
Other names: c.1200+5A>G (NM_130804.3, NM_130803.3, NM_000244.4 and 3 more transcripts); c.1185+5A>G (NM_130799.3, NM_001370260.2, NM_001370261.2); c.1311+5A>G (NM_001370251.2); c.1080+5A>G (NM_001370263.2, NM_001370262.2).
Identifiers: ClinVar variation 574603 (VCV000574603.11), dbSNP rs748700116, ClinGen allele CA060185.

ClinVar aggregate classification (germline): Conflicting classifications of pathogenicity. Review status: criteria provided, conflicting classifications (1 of 4 stars). 2 submissions from 2 submitters: Uncertain significance (1); Likely benign (1). Last evaluated 2024-03-06.

Conditions:
Hereditary cancer-predisposing syndrome. Also called: Hereditary neoplastic syndrome; Neoplastic Syndromes, Hereditary; Hereditary Cancer Syndrome; Tumor predisposition. Identifiers: Orphanet 140162, MedGen C0027672, MeSH D009386, MONDO:0015356.
Multiple endocrine neoplasia, type 1 (MEN1). Also called: WERMER SYNDROME; Endocrine adenomatosis multiple; MEN 1; MEA I; MEN I. Identifiers: Orphanet 652, MedGen C0025267, MeSH D018761, MONDO:0007540, OMIM 131100.

Allele frequency attached by ClinVar (database versions not stated): gnomAD exomes below 0.00001 and 0.00002; ExAC 0.00001.
gnomAD v4.1: 6 of 1,613,480 alleles (0.00037%); highest among the groups gnomAD compares: South Asian, 0.0066%; no homozygotes.

Submissions (2):

Labcorp Genetics (formerly Invitae), Labcorp
Classification: Uncertain significance for Multiple endocrine neoplasia, type 1. Last evaluated: 2024-03-06. Review status: criteria provided, single submitter. Criteria: Invitae Variant Classification Sherloc (09022015). Collection method: clinical testing. Allele origin: germline.
Comment: This sequence change falls in intron 8 of the MEN1 gene. It does not directly change the encoded amino acid sequence of the MEN1 protein. It affects a nucleotide within the consensus splice site. This variant is present in population databases (rs748700116, gnomAD 0.01%). This variant has not been reported in the literature in individuals affected with MEN1-related conditions. ClinVar contains an entry for this variant (Variation ID: 574603). Variants that disrupt the consensus splice site are a relatively common cause of aberrant splicing (PMID: 17576681, 9536098). Algorithms developed to predict the effect of sequence changes on RNA splicing suggest that this variant is not likely to affect RNA splicing. In summary, the available evidence is currently insufficient to determine the role of this variant in disease. Therefore, it has been classified as a Variant of Uncertain Significance.

Ambry Genetics
Classification: Likely benign for Hereditary cancer-predisposing syndrome. Last evaluated: 2022-07-27. Review status: criteria provided, single submitter. Criteria: Ambry Variant Classification Scheme 2023. Collection method: clinical testing. Allele origin: germline.

Literature cited by the submitters: PubMed 17576681 (cited by Labcorp Genetics (formerly Invitae), Labcorp); PubMed 9536098 (cited by Labcorp Genetics (formerly Invitae), Labcorp).